The following is an entry in ClinVar:

ClinVar aggregate classification (germline): Pathogenic (1 of 4 stars; one submission).

Submission:

Labcorp Genetics (formerly Invitae), Labcorp
Classification: Pathogenic. Last evaluated: 2024-02-14. Review status: criteria provided, single submitter. Criteria: Invitae Variant Classification Sherloc (09022015). Collection method: clinical testing. Allele origin: germline.
Comment: This sequence change creates a premature translational stop signal (p.Gln445*) in the DNAH9 gene. It is expected to result in an absent or disrupted protein product. Loss-of-function variants in DNAH9 are known to be pathogenic (PMID: 30471718). The frequency data for this variant in the population databases is considered unreliable, as metrics indicate poor data quality at this position in the gnomAD database. This variant has not been reported in the literature in individuals affected with DNAH9-related conditions. ClinVar contains an entry for this variant (Variation ID: 1933496). For these reasons, this variant has been classified as Pathogenic.

Literature cited by the submitters: PubMed 30471718.

NM_001372.4(DNAH9):c.1333_1334inv (p.Gln445Ter)

Gene: DNAH9 (dynein axonemal heavy chain 9; plus strand). Cytogenetic location: 17p12.
Variant type: Inversion.
Coding change: c.1333_1334inv on transcript NM_001372.4 (MANE Select).
Protein change: p.Gln445Ter; replaces glutamine 445 with a stop codon.
Molecular consequence: nonsense.
Genome position: GRCh38 VCF-style: chr17-11619764-CA-TG. GRCh37 (hg19) VCF-style: chr17-11523081-CA-TG.
Other names: short protein forms Q445*.
Identifiers: ClinVar variation 1933496 (VCV001933496.5), ClinGen allele CA2580092536.